The following is an entry in ClinVar:

ClinVar aggregate classification (germline): Likely pathogenic (1 of 4 stars; one submission).

Conditions:
Mucopolysaccharidosis type 6 (MPS6). Also called: MPS 6; Maroteaux Lamy syndrome; ARSB DEFICIENCY; ARYLSULFATASE B DEFICIENCY; N-ACETYLGALACTOSAMINE-4-SULFATASE DEFICIENCY; MPS VI. Identifiers: Orphanet 583, MedGen C0026709, MONDO:0009661, OMIM 253200.

Submission:

Labcorp Genetics (formerly Invitae), Labcorp
Classification: Likely pathogenic for Mucopolysaccharidosis type 6. Last evaluated: 2023-06-16. Review status: criteria provided, single submitter. Criteria: Invitae Variant Classification Sherloc (09022015). Collection method: clinical testing. Allele origin: unknown.
Comment: In summary, the currently available evidence indicates that the variant is pathogenic, but additional data are needed to prove that conclusively. Therefore, this variant has been classified as Likely Pathogenic. This variant has not been reported in the literature in individuals affected with ARSB-related conditions. This variant results in a copy number gain of the genomic region encompassing exon(s) 4 of the ARSB gene. While the exact position of this variant cannot be determined from the data, sub-genic copy number gains are generally in tandem (PMID: 25640679). This variant is predicted to be out-of-frame, and may result in an absent or disrupted protein product. Loss-of-function variants in ARSB are known to be pathogenic (PMID: 17458871, 22133300).

Literature cited by the submitters: PubMed 25640679; PubMed 17458871; PubMed 22133300.

NC_000005.9:g.(?_78251098)_(78251345_?)dup

Gene: ARSB (arylsulfatase B; minus strand). Cytogenetic location: 5q14.1.
Variant type: Duplication.
Identifiers: ClinVar variation 3246279 (VCV003246279.1).